The following is an entry in ClinVar:

ClinVar aggregate classification (germline): Conflicting classifications of pathogenicity. Review status: criteria provided, conflicting classifications (1 of 4 stars). 4 submissions from 4 submitters: Uncertain significance (1); Likely benign (1). 2 of the submissions do not count toward it. Last evaluated 2026-02-01.

Conditions:
Galactosylceramide beta-galactosidase deficiency. Also called: Krabbe Disease; Leukodystrophy, Globoid Cell; GALACTOCEREBROSIDASE DEFICIENCY; GALC DEFICIENCY; GLOBOID CELL LEUKOENCEPHALOPATHY. Identifiers: Orphanet 487, MedGen C0023521, MONDO:0009499, OMIM 245200.

Allele frequency attached by ClinVar (database versions not stated): gnomAD exomes 0.00013 and 0.00035; ExAC 0.00023; gnomAD 0.00023; 1000 Genomes Project 30x 0.00031; TOPMed 0.00037; 1000 Genomes Project 0.00040.
gnomAD v4.1: 223 of 1,596,726 alleles (0.014%); highest among the groups gnomAD compares: Admixed American, 0.18%; no homozygotes.

Submissions (4):

Labcorp Genetics (formerly Invitae), Labcorp
Classification: Likely benign for Galactosylceramide beta-galactosidase deficiency. Last evaluated: 2026-02-01. Review status: criteria provided, single submitter. Criteria: Invitae Variant Classification Sherloc (09022015). Collection method: clinical testing. Allele origin: germline.

Eurofins Ntd Llc (ga)
Classification: Uncertain significance. Last evaluated: 2016-04-18. Review status: criteria provided, single submitter. Criteria: EGL Classification Definitions 2015. Collection method: clinical testing. Allele origin: germline. Observed: 1 variant allele, 1 heterozygote.

Serv. Biochemistry and Molecular genetics, Hospital Clinic de Barcelona, Hospital Clínic de Barcelona
Classification: Benign for Galactosylceramide beta-galactosidase deficiency. Last evaluated: 2022-04-05. Review status: no assertion criteria provided. Collection method: clinical testing. Allele origin: maternal. Affected: no. Not counted in ClinVar's aggregate classification.
Comment: We analysed the galactocerebrosidase enzymatic activity in cultured amniocytes in order to elucidate if the foetus was affected by Krabbe disease. We obtained an activity of 40 nmol/17h/mgprot (control range 56-250) which is a slightly low activity in accordance to a carriership status, not in the range of the affected patients (0-3,5 nmol/17h/mg prot).

Natera, Inc.
Classification: Uncertain significance for Galactosylceramide beta-galactosidase deficiency. Last evaluated: 2020-04-18. Review status: no assertion criteria provided. Collection method: clinical testing. Allele origin: germline. Not counted in ClinVar's aggregate classification.

NM_000153.4(GALC):c.1717A>G (p.Thr573Ala)

Gene: GALC (galactosylceramidase; minus strand). Cytogenetic location: 14q31.3.
Variant type: single nucleotide variant.
Coding change: c.1717A>G on transcript NM_000153.4 (MANE Select); coding-DNA position 1717, A replaced by G.
Protein change: p.Thr573Ala; replaces threonine 573 with alanine.
Molecular consequence: missense variant.
Genome position (GRCh38, 1-based): chr14:87,941,512, T>C on the plus strand (A>G on the coding strand, the complement: GALC is on the minus strand). VCF-style: chr14-87941512-T-C. GRCh37 (hg19) VCF-style: chr14-88407856-T-C.
Other names: c.1648A>G, p.Thr550Ala (NM_001201401.2); c.1639A>G, p.Thr547Ala (NM_001201402.2); short protein forms T573A, T547A, T550A.
Identifiers: ClinVar variation 287587 (VCV000287587.17), dbSNP rs200219480, ClinGen allele CA7296934.